The following is an entry in ClinVar:

ClinVar aggregate classification (germline): Conflicting classifications of pathogenicity. Review status: criteria provided, conflicting classifications (1 of 4 stars). 4 submissions from 4 submitters: Uncertain significance (3); Likely benign (1). Last evaluated 2025-12-24.

Conditions:
Hereditary cancer-predisposing syndrome. Also called: Hereditary neoplastic syndrome; Neoplastic Syndromes, Hereditary; Hereditary Cancer Syndrome; Tumor predisposition. Identifiers: Orphanet 140162, MedGen C0027672, MeSH D009386, MONDO:0015356.
Intellectual disability, autosomal dominant 16 (CSS4). Also called: COFFIN-SIRIS SYNDROME 4. Identifiers: Orphanet 1465, MedGen C3553249, MONDO:0013821, OMIM 614609.
Rhabdoid tumor predisposition syndrome 2 (RTPS2). Identifiers: Orphanet 231108, Orphanet 69077, MedGen C2750074, MONDO:0013224, OMIM 613325.

Allele frequency attached by ClinVar (database versions not stated): gnomAD exomes below 0.00001.
gnomAD v4.1: 2 of 1,613,356 alleles (0.00012%); highest among the groups gnomAD compares: Non-Finnish European, 0.00017%; no homozygotes.

Submissions (4):

Labcorp Genetics (formerly Invitae), Labcorp
Classification: Uncertain significance for Rhabdoid tumor predisposition syndrome 2. Last evaluated: 2025-12-24. Review status: criteria provided, single submitter. Criteria: Invitae Variant Classification Sherloc (09022015). Collection method: clinical testing. Allele origin: germline.
Comment: This sequence change replaces glutamic acid, which is acidic and polar, with glycine, which is neutral and non-polar, at codon 686 of the SMARCA4 protein (p.Glu686Gly). This variant is not present in population databases (gnomAD no frequency). This variant has not been reported in the literature in individuals affected with SMARCA4-related conditions. ClinVar contains an entry for this variant (Variation ID: 408674). Invitae Evidence Modeling of protein sequence and biophysical properties (such as structural, functional, and spatial information, amino acid conservation, physicochemical variation, residue mobility, and thermodynamic stability) has been performed for this missense variant. However, the output from this modeling did not meet the statistical confidence thresholds required to predict the impact of this variant on SMARCA4 protein function. In summary, the available evidence is currently insufficient to determine the role of this variant in disease. Therefore, it has been classified as a Variant of Uncertain Significance.

GeneDx
Classification: Uncertain significance. Last evaluated: 2025-05-21. Review status: criteria provided, single submitter. Criteria: GeneDx Variant Classification Process June 2021. Collection method: clinical testing. Allele origin: germline.
Comment: Not observed at significant frequency in large population cohorts (gnomAD); In silico analysis suggests that this missense variant does not alter protein structure/function; Has not been previously published as pathogenic or benign to our knowledge

Ambry Genetics
Classification: Likely benign for Hereditary cancer-predisposing syndrome. Last evaluated: 2022-10-14. Review status: criteria provided, single submitter. Criteria: Ambry Variant Classification Scheme 2023. Collection method: clinical testing. Allele origin: germline.

Genome-Nilou Lab
Classification: Uncertain significance for Intellectual disability, autosomal dominant 16. Last evaluated: 2021-07-15. Review status: criteria provided, single submitter. Criteria: ACMG Guidelines, 2015. Collection method: clinical testing. Allele origin: germline. Affected: no.

NM_003072.5(SMARCA4):c.2057A>G (p.Glu686Gly)

Gene: SMARCA4 (SWI/SNF related BAF chromatin remodeling complex subunit ATPase 4; plus strand). Cytogenetic location: 19p13.2.
Variant type: single nucleotide variant.
Coding change: c.2057A>G on transcript NM_003072.5 (MANE Select); coding-DNA position 2057, A replaced by G.
Protein change: p.Glu686Gly; replaces glutamic acid 686 with glycine.
Molecular consequence: missense variant. On other transcripts: non-coding transcript variant (1).
Genome position (GRCh38, 1-based): chr19:11,007,957, A>G. VCF-style: chr19-11007957-A-G. GRCh37 (hg19) VCF-style: chr19-11118633-A-G.
Other names: c.2057A>G, p.Glu686Gly (NM_001128844.3, NM_001128845.2, NM_001128846.2 and 5 more transcripts); short protein forms E686G.
Identifiers: ClinVar variation 408674 (VCV000408674.17), dbSNP rs924158571, ClinGen allele CA16616135.